The following is an entry in ClinVar:

ClinVar aggregate classification (germline): Benign (0 of 4 stars; one submission).

Conditions:
EFR3A-related disorder. Also called: EFR3A-related condition.

Submission:

PreventionGenetics, part of Exact Sciences
Classification: Benign for EFR3A-related condition. Last evaluated: 2019-05-21. Review status: no assertion criteria provided. Collection method: clinical testing. Allele origin: germline.
Comment: This variant is classified as benign based on ACMG/AMP sequence variant interpretation guidelines (Richards et al. 2015 PMID: 25741868, with internal and published modifications).

NM_015137.6(EFR3A):c.2311-5del

Gene: EFR3A (EFR3 homolog A; plus strand). Cytogenetic location: 8q24.22.
Variant type: Deletion.
Coding change: c.2311-5del on transcript NM_015137.6 (MANE Select); 5 bases into the intron before coding-DNA position 2311, one base deleted (T; older notation c.2311-5delT).
Molecular consequence: intron variant.
Genome position (GRCh38, 1-based): chr8:132,003,231, T deleted; the last of 6 consecutive T bases (chr8:132,003,226-132,003,231); deleting any one gives the same sequence. VCF-style (leftmost placement, unchanged base first): chr8-132003225-CT-C. GRCh37 (hg19) VCF-style: chr8-133015472-CT-C.
Other names: c.2203-5del (NM_001323555.2, NM_001323554.2, NM_001323553.2 and 2 more transcripts); c.2362-5del (NM_001323558.2).
Identifiers: ClinVar variation 3038625 (VCV003038625.2), dbSNP rs370906721, ClinGen allele CA4879380.